The following is an entry in ClinVar:

ClinVar aggregate classification (germline): Likely benign (1 of 4 stars; one submission).

Allele frequency attached by ClinVar (database versions not stated): gnomAD 0.00005; ESP Exome Variant Server 0.00008; ExAC 0.00010.

Submission:

CeGaT Center for Human Genetics Tuebingen
Classification: Likely benign. Last evaluated: 2023-01-01. Review status: criteria provided, single submitter. Criteria: CeGaT Center For Human Genetics Tuebingen Variant Classification Criteria Version 2. Collection method: clinical testing. Allele origin: germline. Affected: yes. Observed: 1 variant allele.
Comment: TUT1: BP4, BP7

NM_022830.3(TUT1):c.2514G>T (p.Pro838=)

Gene: TUT1 (terminal uridylyl transferase 1, U6 snRNA-specific; minus strand). Cytogenetic location: 11q12.3.
Variant type: single nucleotide variant.
Coding change: c.2514G>T on transcript NM_022830.3 (MANE Select); coding-DNA position 2514, G replaced by T.
Protein change: p.Pro838=; no amino-acid change (proline 838 retained).
Molecular consequence: synonymous variant. On other transcripts: 3 prime UTR variant (1).
Genome position (GRCh38, 1-based): chr11:62,575,205, C>A on the plus strand (G>T on the coding strand, the complement: TUT1 is on the minus strand). VCF-style: chr11-62575205-C-A. GRCh37 (hg19) VCF-style: chr11-62342677-C-A.
Other names: c.*928G>T (NM_001367906.1).
Identifiers: ClinVar variation 2641881 (VCV002641881.24), dbSNP rs200189280, ClinGen allele CA6047417.